The following is an entry in ClinVar:

NM_000059.4(BRCA2):c.48dup (p.Thr17fs)

Gene: BRCA2 (BRCA2 DNA repair associated; plus strand). Cytogenetic location: 13q13.1.
Variant type: Duplication.
Coding change: c.48dup on transcript NM_000059.4 (MANE Select); coding-DNA position 48, one base duplicated (G; older notation c.48dupG).
Protein change: p.Thr17fs; shifts the reading frame from threonine 17.
Molecular consequence: frameshift variant.
Genome position (GRCh38, 1-based): chr13:32,316,508, G duplicated. VCF-style (leftmost placement, unchanged base first): chr13-32316507-A-AG. GRCh37 (hg19) VCF-style: chr13-32890644-A-AG.
Other names: 276dupG; short protein forms T17fs.
Identifiers: ClinVar variation 266836 (VCV000266836.3), dbSNP rs886040552, ClinGen allele CA10589002.

ClinVar aggregate classification (germline): Pathogenic (3 of 4 stars; one submission).

Conditions:
Breast-ovarian cancer, familial, susceptibility to, 2 (BROVCA2). Also called: BRCA2 Hereditary Breast and Ovarian Cancer. Identifiers: Orphanet 145, MedGen C2675520, MONDO:0012933, OMIM 612555. Disease mechanism: loss of function.

Submission:

Evidence-based Network for the Interpretation of Germline Mutant Alleles (ENIGMA)
Classification: Pathogenic for Breast-ovarian cancer, familial, susceptibility to, 2. Last evaluated: 2016-10-18. Review status: reviewed by expert panel. Criteria: ENIGMA BRCA1/2 Classification Criteria (2015). Collection method: curation. Allele origin: germline.
Comment: Variant allele predicted to encode a truncated non-functional protein.